The following is an entry in ClinVar:

NM_001367721.1(CASK):c.1480C>T (p.Gln494Ter)

Gene: CASK (calcium/calmodulin dependent serine protein kinase; minus strand). Cytogenetic location: Xp11.4.
Variant type: single nucleotide variant.
Coding change: c.1480C>T on transcript NM_001367721.1 (MANE Select); coding-DNA position 1480, C replaced by T.
Protein change: p.Gln494Ter; replaces glutamine 494 with a stop codon.
Molecular consequence: nonsense.
Genome position (GRCh38, 1-based): chrX:41,578,363, G>A on the plus strand (C>T on the coding strand, the complement: CASK is on the minus strand). VCF-style: chrX-41578363-G-A. GRCh37 (hg19) VCF-style: chrX-41437616-G-A.
Other names: c.1480C>T, p.Gln494Ter (NM_001126054.3, NM_003688.4); c.1462C>T, p.Gln488Ter (NM_001126055.3, NM_001410745.1); short protein forms Q494*, Q488*.
Identifiers: ClinVar variation 424249 (VCV000424249.4), dbSNP rs1064796879, ClinGen allele CA16621403.
Genomic context (GRCh38, chrX:41,578,363, plus strand): 5'-CTTATGAGAGTATTGAAAACTTTCTCTTCCTACTTACCATTGGTTCATCTGTGTTCTTTT[G>A]AAACTGTACCAGCCGAACTCTGGTCACATTCTCCATATCCATGTCTCCGTTAGCACTTTC-3'

ClinVar aggregate classification (germline): Pathogenic/Likely pathogenic. Review status: criteria provided, multiple submitters, no conflicts (2 of 4 stars). 2 submissions from 2 submitters: Pathogenic (1); Likely pathogenic (1). Last evaluated 2022-10-17.

Conditions:
CASK-related disorder. Also called: CASK-related disorders; CASK-related condition.

Submissions (2):

Blueprint Genetics
Classification: Likely pathogenic for CASK-related disorders. Last evaluated: 2022-10-17. Review status: criteria provided, single submitter. Criteria: ACMG Guidelines, 2015. Collection method: clinical testing. Allele origin: germline. Affected: yes. Observed: 1 variant allele.

GeneDx
Classification: Pathogenic. Last evaluated: 2017-03-16. Review status: criteria provided, single submitter. Criteria: GeneDx Variant Classification (06012015). Collection method: clinical testing. Allele origin: germline. Affected: yes.
Comment: The Q494X variant in the CASK gene has not been reported previously as a pathogenic variant nor as a benign variant, to our knowledge. This variant is predicted to cause loss of normal protein function either through protein truncation or nonsense-mediated mRNA decay. The Q494X variant is not observed in large population cohorts (Lek et al., 2016; 1000 Genomes Consortium et al., 2015; Exome Variant Server). We interpret Q494X as a pathogenic variant.